The following is an entry in ClinVar:

ClinVar aggregate classification (germline): Benign/Likely benign. Review status: criteria provided, multiple submitters, no conflicts (2 of 4 stars). 4 submissions from 4 submitters: Benign (1); Likely benign (2). 1 of the submissions does not count toward it. Last evaluated 2026-02-02.

Conditions:
LONP1-related disorder. Also called: LONP1-related disorders; LONP1-related condition.

Allele frequency attached by ClinVar (database versions not stated): ESP Exome Variant Server 0.00008; gnomAD 0.00341 and 0.00387; TOPMed 0.00455; ExAC 0.00503; 1000 Genomes Project 30x 0.01031; gnomAD exomes 0.00622; 1000 Genomes Project 0.01078.
gnomAD v4.1: 2,929 of 1,612,958 alleles (0.18%); highest among the groups gnomAD compares: East Asian, 2.9%; 50 homozygotes.

Submissions (4):

Labcorp Genetics (formerly Invitae), Labcorp
Classification: Benign. Last evaluated: 2026-02-02. Review status: criteria provided, single submitter. Criteria: Invitae Variant Classification Sherloc (09022015). Collection method: clinical testing. Allele origin: germline.

GeneDx
Classification: Likely benign. Last evaluated: 2021-02-20. Review status: criteria provided, single submitter. Criteria: GeneDx Variant Classification Process June 2021. Collection method: clinical testing. Allele origin: germline. Affected: yes.

Breakthrough Genomics
Classification: Likely benign. Review status: criteria provided, single submitter. Criteria: ACMG Guidelines, 2015. Collection method: not provided. Allele origin: germline. Inheritance: Autosomal recessive inheritance. Affected: yes.

PreventionGenetics, part of Exact Sciences
Classification: Benign for LONP1-related condition. Last evaluated: 2019-06-04. Review status: no assertion criteria provided. Collection method: clinical testing. Allele origin: germline. Not counted in ClinVar's aggregate classification.
Comment: This variant is classified as benign based on ACMG/AMP sequence variant interpretation guidelines (Richards et al. 2015 PMID: 25741868, with internal and published modifications).

NM_004793.4(LONP1):c.1921G>A (p.Val641Ile)

Gene: LONP1 (lon peptidase 1, mitochondrial; minus strand). Cytogenetic location: 19p13.3.
Variant type: single nucleotide variant.
Coding change: c.1921G>A on transcript NM_004793.4 (MANE Select); coding-DNA position 1921, G replaced by A.
Protein change: p.Val641Ile; replaces valine 641 with isoleucine.
Molecular consequence: missense variant. On other transcripts: non-coding transcript variant (1).
Genome position (GRCh38, 1-based): chr19:5,696,146, C>T on the plus strand (G>A on the coding strand, the complement: LONP1 is on the minus strand). VCF-style: chr19-5696146-C-T. GRCh37 (hg19) VCF-style: chr19-5696157-C-T.
Other names: c.1729G>A, p.Val577Ile (NM_001276479.2); c.1333G>A, p.Val445Ile (NM_001276480.1); short protein forms V577I, V445I, V641I.
Identifiers: ClinVar variation 770653 (VCV000770653.15), dbSNP rs34402166, ClinGen allele CA9114394.